The following is an entry in ClinVar:

NM_000520.6(HEXA):c.545C>G (p.Pro182Arg)

Gene: HEXA (hexosaminidase subunit alpha; minus strand). Cytogenetic location: 15q23.
Variant type: single nucleotide variant.
Coding change: c.545C>G on transcript NM_000520.6 (MANE Select); coding-DNA position 545, C replaced by G.
Protein change: p.Pro182Arg; replaces proline 182 with arginine.
Molecular consequence: missense variant. On other transcripts: non-coding transcript variant (1).
Genome position (GRCh38, 1-based): chr15:72,353,093, G>C on the plus strand (C>G on the coding strand, the complement: HEXA is on the minus strand). VCF-style: chr15-72353093-G-C. GRCh37 (hg19) VCF-style: chr15-72645434-G-C.
Other names: c.578C>G, p.Pro193Arg (NM_001318825.2); short protein forms P182R, P193R.
Identifiers: ClinVar variation 1932980 (VCV001932980.5), dbSNP rs148511084, ClinGen allele CA393064690.

ClinVar aggregate classification (germline): Uncertain significance (1 of 4 stars; one submission).

Conditions:
Tay-Sachs disease (TSD). Also called: HEXA Disorders; HEXA DEFICIENCY; GM2 gangliosidosis, type 1; Hexosaminidase alpha-subunit deficiency (variant B); Sphingolipidosis, Tay-Sachs; Hexosaminidase A Deficiency. Identifiers: Orphanet 845, MedGen C0039373, MONDO:0010100, OMIM 272800.

Submission:

Labcorp Genetics (formerly Invitae), Labcorp
Classification: Uncertain significance for Tay-Sachs disease. Last evaluated: 2021-12-31. Review status: criteria provided, single submitter. Criteria: Invitae Variant Classification Sherloc (09022015). Collection method: clinical testing. Allele origin: germline.
Comment: In summary, the available evidence is currently insufficient to determine the role of this variant in disease. Therefore, it has been classified as a Variant of Uncertain Significance. Algorithms developed to predict the effect of missense changes on protein structure and function are either unavailable or do not agree on the potential impact of this missense change (SIFT: "Deleterious"; PolyPhen-2: "Probably Damaging"; Align-GVGD: "Class C15"). This variant has not been reported in the literature in individuals affected with HEXA-related conditions. This variant is not present in population databases (gnomAD no frequency). This sequence change replaces proline, which is neutral and non-polar, with arginine, which is basic and polar, at codon 182 of the HEXA protein (p.Pro182Arg).